The following is an entry in ClinVar:

ClinVar aggregate classification (germline): Uncertain significance (1 of 4 stars; one submission).

Conditions:
Hereditary cancer-predisposing syndrome. Also called: Tumor predisposition; Hereditary Cancer Syndrome; Hereditary neoplastic syndrome; Neoplastic Syndromes, Hereditary. Identifiers: Orphanet 140162, MedGen C0027672, MeSH D009386, MONDO:0015356.

gnomAD v4.1: 1 of 1,614,146 alleles (0.000062%); highest among the groups gnomAD compares: Non-Finnish European, 0.000085%; no homozygotes.

Submission:

Ambry Genetics
Classification: Uncertain significance for Hereditary cancer-predisposing syndrome. Last evaluated: 2024-05-20. Review status: criteria provided, single submitter. Criteria: Ambry Variant Classification Scheme 2023. Collection method: clinical testing. Allele origin: germline.
Comment: The p.P865L variant (also known as c.2594C>T), located in coding exon 15 of the APC gene, results from a C to T substitution at nucleotide position 2594. The proline at codon 865 is replaced by leucine, an amino acid with similar properties. This amino acid position is conserved. In addition, in silico predictors for this gene do not accurately predict pathogenicity. Based on the available evidence, the clinical significance of this variant remains unclear.

NM_000038.6(APC):c.2594C>T (p.Pro865Leu)

Gene: APC (APC regulator of Wnt signaling pathway; plus strand). Cytogenetic location: 5q22.2.
Variant type: single nucleotide variant.
Coding change: c.2594C>T on transcript NM_000038.6 (MANE Select); coding-DNA position 2594, C replaced by T.
Protein change: p.Pro865Leu; replaces proline 865 with leucine.
Molecular consequence: missense variant. On other transcripts: non-coding transcript variant (2).
Genome position (GRCh38, 1-based): chr5:112,838,188, C>T. VCF-style: chr5-112838188-C-T. GRCh37 (hg19) VCF-style: chr5-112173885-C-T.
Other names: c.2345C>T, p.Pro782Leu (NM_001407456.1, NM_001407457.1, NM_001407454.1 and 1 more transcripts); c.2291C>T, p.Pro764Leu (NM_001407458.1, NM_001407459.1, NM_001407460.1 and 1 more transcripts); c.2207C>T, p.Pro736Leu (NM_001407467.1, NM_001407469.1); c.1745C>T, p.Pro582Leu (NM_001407470.1, NM_001354906.2); c.1442C>T, p.Pro481Leu (NM_001407471.1, NM_001407472.1); c.2648C>T, p.Pro883Leu (NM_001407449.1, NM_001354896.2, NM_001407447.1 and 1 more transcripts); c.2594C>T, p.Pro865Leu (NM_001407450.1, NM_001127510.3, NM_001354895.2); c.2573C>T, p.Pro858Leu (NM_001407451.1); and 11 more; short protein forms P705L, P764L, P806L, P875L, P824L, P855L, P865L, P481L.
Identifiers: ClinVar variation 3303563 (VCV003303563.1).